The following is an entry in ClinVar:

NM_005372.1(MOS):c.755_759del (p.Lys252fs)

Gene: MOS (MOS proto-oncogene, serine/threonine kinase; minus strand). Cytogenetic location: 8q12.1.
Variant type: Deletion.
Coding change: c.755_759del on transcript NM_005372.1 (MANE Select); coding-DNA positions 755 to 759, 5 bases deleted (AAGGA; older notation c.755_759delAAGGA).
Protein change: p.Lys252fs; shifts the reading frame from lysine 252.
Molecular consequence: frameshift variant.
Genome position (GRCh38, 1-based): chr8:56,113,224-56,113,228, TCCTT deleted on the plus strand (AAGGA on the coding strand, the reverse complement: MOS is on the minus strand); deleting any 5 consecutive bases within chr8:56,113,224-56,113,230 gives the same sequence; the c. name uses the placement nearest the transcript's 3' end. VCF-style (leftmost placement, unchanged base first): chr8-56113223-CTCCTT-C. GRCh37 (hg19) VCF-style: chr8-57025782-CTCCTT-C.
Other names: c.755_759delAAGGA (NM_005372.1); short protein forms K252fs.
Identifiers: ClinVar variation 4849341 (VCV004849341.1).

ClinVar aggregate classification (germline): Likely pathogenic (1 of 4 stars; one submission).

Conditions:
Oocyte/zygote/embryo maturation arrest 20 (OZEMA20). Identifiers: MedGen C5830539, MONDO:0957278, OMIM 620383.

Submission:

First Genomix Gene Laboratory, Genetic Diagnostics Department
Classification: Likely pathogenic for Oocyte/zygote/embryo maturation arrest 20. Last evaluated: 2025-07-09. Review status: criteria provided, single submitter. Criteria: ACMG Guidelines, 2015. Collection method: clinical testing. Allele origin: germline. Inheritance: Autosomal recessive inheritance. Affected: no. Observed: 1 variant allele.